The following is an entry in ClinVar:

NM_001953.5(TYMP):c.1419C>T (p.Phe473=)

Genes: SCO2 (synthesis of cytochrome C oxidase 2; minus strand), TYMP (thymidine phosphorylase; minus strand), LOC130067862 (ATAC-STARR-seq lymphoblastoid silent region 13986; plus strand). Cytogenetic location: 22q13.33.
Variant type: single nucleotide variant.
Coding change: c.1419C>T on transcript NM_001953.5 (MANE Select); coding-DNA position 1419, C replaced by T.
Protein change: p.Phe473=; no amino-acid change (phenylalanine 473 retained).
Molecular consequence: synonymous variant. On other transcripts: intron variant (2).
Genome position (GRCh38, 1-based): chr22:50,525,800, G>A on the plus strand (C>T on the coding strand, the complement: TYMP is on the minus strand). VCF-style: chr22-50525800-G-A. GRCh37 (hg19) VCF-style: chr22-50964229-G-A.
Other names: c.1419C>T, p.Phe473= (NM_001113755.3, NM_001113756.3, NM_001257988.1); c.1434C>T, p.Phe478= (NM_001257989.1); c.-14+446C>T (NM_001169109.2); c.-14+201C>T (NM_001169110.1).
Identifiers: ClinVar variation 1093209 (VCV001093209.12), dbSNP rs752028751, ClinGen allele CA10321399.

ClinVar aggregate classification (germline): Likely benign. Review status: criteria provided, multiple submitters, no conflicts (2 of 4 stars). 4 submissions from 4 submitters: Likely benign (3). 1 of the submissions does not count toward it. Last evaluated 2026-09-01.

Conditions:
TYMP-related disorder. Also called: TYMP-related condition.

Allele frequency attached by ClinVar (database versions not stated): ExAC 0.00001; gnomAD 0.00001; gnomAD exomes 0.00002.
gnomAD v4.1: 27 of 1,610,754 alleles (0.0017%); highest among the groups gnomAD compares: Middle Eastern, 0.017%; no homozygotes.

Submissions (4):

CeGaT Center for Human Genetics Tuebingen
Classification: Likely benign. Last evaluated: 2026-09-01. Review status: criteria provided, single submitter. Criteria: CeGaT Center For Human Genetics Tuebingen Variant Classification Criteria Version 2. Collection method: clinical testing. Allele origin: germline. Affected: yes. Observed: 1 variant allele.
Comment: TYMP: BP4, BP7

Labcorp Genetics (formerly Invitae), Labcorp
Classification: Likely benign. Last evaluated: 2023-12-13. Review status: criteria provided, single submitter. Criteria: Invitae Variant Classification Sherloc (09022015). Collection method: clinical testing. Allele origin: germline.

Blueprint Genetics
Classification: Likely benign. Last evaluated: 2023-08-17. Review status: criteria provided, single submitter. Criteria: ACMG Guidelines, 2015. Collection method: clinical testing. Allele origin: germline.

PreventionGenetics, part of Exact Sciences
Classification: Likely benign for TYMP-related condition. Last evaluated: 2019-12-19. Review status: no assertion criteria provided. Collection method: clinical testing. Allele origin: germline. Not counted in ClinVar's aggregate classification.
Comment: This variant is classified as likely benign based on ACMG/AMP sequence variant interpretation guidelines (Richards et al. 2015 PMID: 25741868, with internal and published modifications).